The following is an entry in ClinVar:

NM_016239.4(MYO15A):c.264G>A (p.Thr88=)

Gene: MYO15A (myosin XVA; plus strand). Cytogenetic location: 17p11.2.
Variant type: single nucleotide variant.
Coding change: c.264G>A on transcript NM_016239.4 (MANE Select); coding-DNA position 264, G replaced by A.
Protein change: p.Thr88=; no amino-acid change (threonine 88 retained).
Molecular consequence: synonymous variant.
Genome position (GRCh38, 1-based): chr17:18,119,064, G>A. VCF-style: chr17-18119064-G-A. GRCh37 (hg19) VCF-style: chr17-18022378-G-A.
Identifiers: ClinVar variation 227638 (VCV000227638.11), dbSNP rs571886925, ClinGen allele CA8422796.

ClinVar aggregate classification (germline): Likely benign. Review status: criteria provided, multiple submitters, no conflicts (2 of 4 stars). 4 submissions from 4 submitters: Likely benign (4). Last evaluated 2026-07-20.

Conditions:
MYO15A-related disorder. Also called: MYO15A-related condition.

Allele frequency attached by ClinVar (database versions not stated): gnomAD exomes 0.00005 and 0.00007; TOPMed 0.00005; gnomAD 0.00006 and 0.00007; ExAC 0.00007; 1000 Genomes Project 30x 0.00016; 1000 Genomes Project 0.00020.
gnomAD v4.1: 80 of 1,612,180 alleles (0.005%); highest among the groups gnomAD compares: Middle Eastern, 0.017%; 1 homozygote.

Submissions (4):

PreventionGenetics, part of Exact Sciences
Classification: Likely benign for MYO15A-related condition. Last evaluated: 2026-07-20. Review status: criteria provided, single submitter. Criteria: ACMG Guidelines, 2015. Collection method: clinical testing. Allele origin: germline.
Comment: This variant is classified as likely benign based on ACMG/AMP sequence variant interpretation guidelines (Richards et al. 2015 PMID: 25741868, with internal and published modifications).

Labcorp Genetics (formerly Invitae), Labcorp
Classification: Likely benign. Last evaluated: 2025-05-07. Review status: criteria provided, single submitter. Criteria: Invitae Variant Classification Sherloc (09022015). Collection method: clinical testing. Allele origin: germline.

Blueprint Genetics
Classification: Likely benign. Last evaluated: 2024-10-03. Review status: criteria provided, single submitter. Criteria: ACMG Guidelines, 2015. Collection method: clinical testing. Allele origin: germline.

Laboratory for Molecular Medicine, Mass General Brigham Personalized Medicine
Classification: Likely benign. Last evaluated: 2016-01-27. Review status: criteria provided, single submitter. Criteria: LMM Criteria. Collection method: clinical testing. Allele origin: germline. Observed: 1 variant allele.
Comment: p.Thr88Thr in exon 2 of MYO15A: This variant is not expected to have clinical si gnificance because it does not alter an amino acid residue and is not located wi thin the splice consensus sequence. It has been identified in 6/58966 European c hromosomes by the Exome Aggregation Consortium (ExAC .org; dbSNP rs571886925).